The following is an entry in ClinVar:

ClinVar aggregate classification (germline): Conflicting classifications of pathogenicity. Review status: criteria provided, conflicting classifications (1 of 4 stars). 8 submissions from 8 submitters: Uncertain significance (1); Benign (5). 2 of the submissions do not count toward it. Last evaluated 2026-02-04.

Conditions:
Neuromuscular disease caused by qualitative or quantitative defects of dysferlin. Also called: Dysferlinopathy; Qualitative or quantitative defects of dysferlin. Identifiers: Orphanet 207073, MedGen C2931687, MONDO:0016145.
Autosomal recessive limb-girdle muscular dystrophy type 2B (LGMDR2). Also called: MUSCULAR DYSTROPHY, LIMB-GIRDLE, AUTOSOMAL RECESSIVE 2; Limb-girdle muscular dystrophy, type 2B; Limb-Girdle Muscular Dystrophy Type 2B (LGMD2B); MUSCULAR DYSTROPHY, LIMB-GIRDLE, TYPE 3. Identifiers: Orphanet 268, MedGen C1850889, MONDO:0009676, OMIM 253601.

Allele frequency attached by ClinVar (database versions not stated): ESP Exome Variant Server 0.00823; 1000 Genomes Project 0.00859; TOPMed 0.00878; 1000 Genomes Project 30x 0.00921.
gnomAD v4.1: 2,676 of 1,614,074 alleles (0.17%); highest among the groups gnomAD compares: African/African-American, 2.4%; 29 homozygotes.

Submissions (8):

Labcorp Genetics (formerly Invitae), Labcorp
Classification: Benign for Neuromuscular disease caused by qualitative or quantitative defects of dysferlin. Last evaluated: 2026-02-04. Review status: criteria provided, single submitter. Criteria: Invitae Variant Classification Sherloc (09022015). Collection method: clinical testing. Allele origin: germline.

Mayo Clinic Laboratories, Mayo Clinic
Classification: Benign. Last evaluated: 2025-03-28. Review status: criteria provided, single submitter. Criteria: ACMG Guidelines, 2015. Collection method: clinical testing. Allele origin: germline. Observed: 6 variant alleles.
Comment: BA1, BP4, BP7

Illumina Laboratory Services, Illumina
Classification: Uncertain significance for Qualitative or quantitative defects of dysferlin. Last evaluated: 2018-01-13. Review status: criteria provided, single submitter. Criteria: ICSL Variant Classification Criteria 13 December 2019. Collection method: clinical testing. Allele origin: germline.

GeneDx
Classification: Benign. Last evaluated: 2016-12-07. Review status: criteria provided, single submitter. Criteria: GeneDx Variant Classification (06012015). Collection method: clinical testing. Allele origin: germline. Affected: yes.
Comment: This variant is considered likely benign or benign based on one or more of the following criteria: it is a conservative change, it occurs at a poorly conserved position in the protein, it is predicted to be benign by multiple in silico algorithms, and/or has population frequency not consistent with disease.

Eurofins Ntd Llc (ga)
Classification: Benign. Last evaluated: 2013-07-15. Review status: criteria provided, single submitter. Criteria: EGL Classification Definitions 2015. Collection method: clinical testing. Allele origin: germline. Observed: 2 variant alleles, 2 heterozygotes.

PreventionGenetics, part of Exact Sciences
Classification: Benign. Review status: criteria provided, single submitter. Criteria: ACMG Guidelines, 2015. Collection method: clinical testing. Allele origin: germline.

Natera, Inc.
Classification: Benign for Limb-girdle muscular dystrophy type 2B. Last evaluated: 2020-09-16. Review status: no assertion criteria provided. Collection method: clinical testing. Allele origin: germline. Not counted in ClinVar's aggregate classification.

Genetic Services Laboratory, University of Chicago
Classification: Likely benign for AllHighlyPenetrant. Review status: no assertion criteria provided. Collection method: clinical testing. Allele origin: germline. Inheritance: Autosomal recessive inheritance. Not counted in ClinVar's aggregate classification.
Comment: Likely benign based on allele frequency in 1000 Genomes Project or ESP global frequency and its presence in a patient with a rare or unrelated disease phenotype. NOT Sanger confirmed.

NM_001130987.2(DYSF):c.1944G>A (p.Pro648=)

Gene: DYSF (dysferlin; plus strand). Cytogenetic location: 2p13.2.
Variant type: single nucleotide variant.
Coding change: c.1944G>A on transcript NM_001130987.2 (MANE Select); coding-DNA position 1944, G replaced by A.
Protein change: p.Pro648=; no amino-acid change (proline 648 retained).
Molecular consequence: synonymous variant.
Genome position (GRCh38, 1-based): chr2:71,553,148, G>A. VCF-style: chr2-71553148-G-A. GRCh37 (hg19) VCF-style: chr2-71780278-G-A.
Other names: p.Pro630=; c.1893G>A, p.Pro631= (NM_001130455.2, NM_001130983.2); c.1848G>A, p.Pro616= (NM_001130976.2, NM_001130977.2); c.1890G>A, p.Pro630= (NM_001130978.2, NM_003494.4); c.1983G>A, p.Pro661= (NM_001130979.2); c.1941G>A, p.Pro647= (NM_001130980.2, NM_001130981.2); c.1986G>A, p.Pro662= (NM_001130982.2); c.1851G>A, p.Pro617= (NM_001130984.2, NM_001130986.2); and 1 more.
Identifiers: ClinVar variation 94283 (VCV000094283.28), dbSNP rs115849497, ClinGen allele CA147730.